The following is an entry in ClinVar:

NM_033056.4(PCDH15):c.4745G>C (p.Arg1582Thr)

Gene: PCDH15 (protocadherin related 15; minus strand). Cytogenetic location: 10q21.1.
Variant type: single nucleotide variant.
Coding change: c.4745G>C on transcript NM_033056.4 (MANE Plus Clinical); coding-DNA position 4745, G replaced by C.
Protein change: p.Arg1582Thr; replaces arginine 1582 with threonine.
Molecular consequence: missense variant. On other transcripts: intron variant (8).
Genome position (GRCh38, 1-based): chr10:53,822,981, C>G on the plus strand (G>C on the coding strand, the complement: PCDH15 is on the minus strand). VCF-style: chr10-53822981-C-G. GRCh37 (hg19) VCF-style: chr10-55582741-C-G.
Other names: c.4766G>C, p.Arg1589Thr (NM_001142763.2); c.4751G>C, p.Arg1584Thr (NM_001142764.2); c.4538G>C, p.Arg1513Thr (NM_001142765.2); c.4736G>C, p.Arg1579Thr (NM_001142766.2); c.4625G>C, p.Arg1542Thr (NM_001142767.2); c.4685G>C, p.Arg1562Thr (NM_001142768.2); c.4676G>C, p.Arg1559Thr (NM_001142773.2); c.4679G>C, p.Arg1560Thr (NM_001354404.2); and 6 more; short protein forms R1560T, R1513T, R1542T, R1559T, R1562T, R1589T, R1579T, R1584T.
Identifiers: ClinVar variation 3631763 (VCV003631763.2).

ClinVar aggregate classification (germline): Uncertain significance (1 of 4 stars; one submission).

gnomAD v4.1: 1 of 1,614,072 alleles (0.000062%); highest among the groups gnomAD compares: East Asian, 0.0022%; no homozygotes.

Submission:

Labcorp Genetics (formerly Invitae), Labcorp
Classification: Uncertain significance. Last evaluated: 2024-05-14. Review status: criteria provided, single submitter. Criteria: Invitae Variant Classification Sherloc (09022015). Collection method: clinical testing. Allele origin: germline.
Comment: This sequence change replaces arginine, which is basic and polar, with threonine, which is neutral and polar, at codon 1582 of the PCDH15 protein (p.Arg1582Thr). This variant is not present in population databases (gnomAD no frequency). This variant has not been reported in the literature in individuals affected with PCDH15-related conditions. An algorithm developed to predict the effect of missense changes on protein structure and function (PolyPhen-2) suggests that this variant is likely to be tolerated. In summary, the available evidence is currently insufficient to determine the role of this variant in disease. Therefore, it has been classified as a Variant of Uncertain Significance.